The following is an entry in ClinVar:

NM_000632.4(ITGAM):c.465T>G (p.Ile155Met)

Gene: ITGAM (integrin subunit alpha M; plus strand). Cytogenetic location: 16p11.2.
Variant type: single nucleotide variant.
Coding change: c.465T>G on transcript NM_000632.4 (MANE Select); coding-DNA position 465, T replaced by G.
Protein change: p.Ile155Met; replaces isoleucine 155 with methionine.
Molecular consequence: missense variant.
Genome position (GRCh38, 1-based): chr16:31,270,991, T>G. VCF-style: chr16-31270991-T-G. GRCh37 (hg19) VCF-style: chr16-31282312-T-G.
Other names: c.465T>G, p.Ile155Met (NM_001145808.2); short protein forms I155M.
Identifiers: ClinVar variation 4714040 (VCV004714040.1).
Genomic context (GRCh38, chr16:31,270,991, plus strand): 5'-CATACTCTTTTCCCCTTCCCCAGGGTGTCCTCAAGAGGATAGTGACATTGCCTTCTTGAT[T>G]GATGGCTCTGGTAGCATCATCCCACATGACTTTCGGCGGATGAAGGAGTTTGTCTCAACT-3'
Protein context (NP_000623.2, residues 145-165): PQEDSDIAFL[Ile155Met]DGSGSIIPHD

ClinVar aggregate classification (germline): Uncertain significance (1 of 4 stars; one submission).

gnomAD v4.1: 1 of 1,586,230 alleles (0.000063%); highest among the groups gnomAD compares: East Asian, 0.0023%; no homozygotes.

Submission:

Labcorp Genetics (formerly Invitae), Labcorp
Classification: Uncertain significance. Last evaluated: 2025-02-27. Review status: criteria provided, single submitter. Criteria: Invitae Variant Classification Sherloc (09022015). Collection method: clinical testing. Allele origin: germline.
Comment: This sequence change replaces isoleucine, which is neutral and non-polar, with methionine, which is neutral and non-polar, at codon 155 of the ITGAM protein (p.Ile155Met). This variant is present in population databases (rs745868817, gnomAD 0.006%). This variant has not been reported in the literature in individuals affected with ITGAM-related conditions. An algorithm developed to predict the effect of missense changes on protein structure and function (PolyPhen-2) suggests that this variant is likely to be disruptive. In summary, the available evidence is currently insufficient to determine the role of this variant in disease. Therefore, it has been classified as a Variant of Uncertain Significance.